The following is an entry in ClinVar:

ClinVar aggregate classification (germline): Uncertain significance (1 of 4 stars; one submission).

gnomAD v4.1: 6 of 1,601,770 alleles (0.00037%); highest among the groups gnomAD compares: South Asian, 0.0056%; no homozygotes.

Submission:

GeneDx
Classification: Uncertain significance. Last evaluated: 2023-11-09. Review status: criteria provided, single submitter. Criteria: GeneDx Variant Classification Process June 2021. Collection method: clinical testing. Allele origin: germline. Affected: yes.
Comment: Not observed at significant frequency in large population cohorts (gnomAD); In silico analysis supports that this missense variant has a deleterious effect on protein structure/function; Has not been previously published as pathogenic or benign to our knowledge

NM_014855.3(AP5Z1):c.697A>G (p.Thr233Ala)

Gene: AP5Z1 (adaptor related protein complex 5 subunit zeta 1; plus strand). Cytogenetic location: 7p22.1.
Variant type: single nucleotide variant.
Coding change: c.697A>G on transcript NM_014855.3 (MANE Select); coding-DNA position 697, A replaced by G.
Protein change: p.Thr233Ala; replaces threonine 233 with alanine.
Molecular consequence: missense variant. On other transcripts: non-coding transcript variant (1).
Genome position (GRCh38, 1-based): chr7:4,784,278, A>G. VCF-style: chr7-4784278-A-G. GRCh37 (hg19) VCF-style: chr7-4823909-A-G.
Other names: c.229A>G, p.Thr77Ala (NM_001364858.1); short protein forms T233A, T77A.
Identifiers: ClinVar variation 3363895 (VCV003363895.1).